The following is an entry in ClinVar:

NM_000835.6(GRIN2C):c.549C>T (p.Arg183=)

Gene: GRIN2C (glutamate ionotropic receptor NMDA type subunit 2C; minus strand). Cytogenetic location: 17q25.1.
Variant type: single nucleotide variant.
Coding change: c.549C>T on transcript NM_000835.6 (MANE Select); coding-DNA position 549, C replaced by T.
Protein change: p.Arg183=; no amino-acid change (arginine 183 retained).
Molecular consequence: synonymous variant. On other transcripts: non-coding transcript variant (1).
Genome position (GRCh38, 1-based): chr17:74,852,462, G>A on the plus strand (C>T on the coding strand, the complement: GRIN2C is on the minus strand). VCF-style: chr17-74852462-G-A. GRCh37 (hg19) VCF-style: chr17-72848601-G-A.
Other names: c.549C>T, p.Arg183= (NM_001278553.2).
Identifiers: ClinVar variation 4281199 (VCV004281199.7).

ClinVar aggregate classification (germline): Likely benign (1 of 4 stars; one submission).

gnomAD v4.1: 2 of 1,552,292 alleles (0.00013%); highest among the groups gnomAD compares: Middle Eastern, 0.034%; no homozygotes.

Submission:

CeGaT Center for Human Genetics Tuebingen
Classification: Likely benign. Last evaluated: 2025-09-01. Review status: criteria provided, single submitter. Criteria: CeGaT Center For Human Genetics Tuebingen Variant Classification Criteria Version 2. Collection method: clinical testing. Allele origin: germline. Affected: yes. Observed: 1 variant allele.
Comment: GRIN2C: BP4, BP7